The following is an entry in ClinVar:

NM_000027.4(AGA):c.508-1G>T

Gene: AGA (aspartylglucosaminidase; minus strand). Cytogenetic location: 4q34.3.
Variant type: single nucleotide variant.
Coding change: c.508-1G>T on transcript NM_000027.4 (MANE Select); the canonical splice acceptor site of the intron before coding-DNA position 508, G replaced by T.
Molecular consequence: splice acceptor variant.
Genome position (GRCh38, 1-based): chr4:177,437,520, C>A on the plus strand (G>T on the coding strand, the complement: AGA is on the minus strand). VCF-style: chr4-177437520-C-A. GRCh37 (hg19) VCF-style: chr4-178358674-C-A.
Other names: c.508-1G>T (NM_001171988.2).
Identifiers: ClinVar variation 4817924 (VCV004817924.1).
Genomic context (GRCh38, chr4:177,437,520, plus strand): 5'-CTTTAAGATACCAGGTGGTTTGTAGGGTCCGCAGTATTTTGAGGGATCTGGTATAACATT[C>A]TGTAAACAAGATTTAAGTTTTATTTCTTACAAAGGGTATTTTTAGAAATTGCCAAGAAAT-3'

ClinVar aggregate classification (germline): Likely pathogenic (1 of 4 stars; one submission).

Conditions:
Aspartylglucosaminuria (AGU). Also called: AGA DEFICIENCY; GLYCOASPARAGINASE; GLYCOSYLASPARAGINASE DEFICIENCY; Aspartylglucos-aminuria; Aspartylglucos-amidase (AGA) deficiency. Identifiers: Orphanet 93, MedGen C0268225, MONDO:0008830, OMIM 208400, HP:0012068.

Submission:

Natera, Inc.
Classification: Likely pathogenic for Aspartylglucosaminuria. Last evaluated: 2025-03-31. Review status: criteria provided, single submitter. Criteria: Natera Variant Classification Schema (03/2026). Collection method: clinical testing. Allele origin: germline.
Comment: The c.508-1G>T variant in AGA is a canonical splice acceptor site variant predicted to affect pre-mRNA splicing, which may result in an abnormal transcript and altered protein product. This variant is expected to result in nonsense mediated decay, truncation, or a dysfunctional protein product. This variant is rare in the general population with a frequency below the threshold expected for the associated phenotype(s). Given the available evidence, this variant is classified as Likely Pathogenic.